The following is an entry in ClinVar:

NM_173630.4(RTTN):c.223C>G (p.Pro75Ala)

Gene: RTTN (rotatin; minus strand). Cytogenetic location: 18q22.2.
Variant type: single nucleotide variant.
Coding change: c.223C>G on transcript NM_173630.4 (MANE Select); coding-DNA position 223, C replaced by G.
Protein change: p.Pro75Ala; replaces proline 75 with alanine.
Molecular consequence: missense variant. On other transcripts: 5 prime UTR variant (1).
Genome position (GRCh38, 1-based): chr18:70,204,260, G>C on the plus strand (C>G on the coding strand, the complement: RTTN is on the minus strand). VCF-style: chr18-70204260-G-C. GRCh37 (hg19) VCF-style: chr18-67871496-G-C.
Other names: c.223C>G (NM_173630.3); c.-2331C>G (NM_001318520.2); short protein forms P75A.
Identifiers: ClinVar variation 2170925 (VCV002170925.4), dbSNP rs767496468, ClinGen allele CA402692634.

ClinVar aggregate classification (germline): Uncertain significance. Review status: criteria provided, multiple submitters, no conflicts (2 of 4 stars). 3 submissions from 3 submitters: Uncertain significance (3). Last evaluated 2026-03-30.

Conditions:
Inborn genetic diseases. Identifiers: MedGen C0950123, MeSH D030342.

Allele frequency attached by ClinVar (database versions not stated): gnomAD 0.00003; TOPMed 0.00004.
gnomAD v4.1: 7 of 1,601,140 alleles (0.00044%); highest among the groups gnomAD compares: Admixed American, 0.0088%; no homozygotes.

Submissions (3):

GeneDx
Classification: Uncertain significance. Last evaluated: 2026-03-30. Review status: criteria provided, single submitter. Criteria: GeneDx Variant Classification Process June 2021. Collection method: clinical testing. Allele origin: germline.
Comment: Not observed at significant frequency in large population cohorts (gnomAD); In silico analysis suggests that this missense variant does not alter protein structure/function; Has not been previously published as pathogenic or benign to our knowledge

Ambry Genetics
Classification: Uncertain significance for Inborn genetic diseases. Last evaluated: 2024-11-26. Review status: criteria provided, single submitter. Criteria: Ambry Variant Classification Scheme 2023. Collection method: clinical testing. Allele origin: germline.

Labcorp Genetics (formerly Invitae), Labcorp
Classification: Uncertain significance. Last evaluated: 2022-05-12. Review status: criteria provided, single submitter. Criteria: Invitae Variant Classification Sherloc (09022015). Collection method: clinical testing. Allele origin: germline.
Comment: This sequence change replaces proline, which is neutral and non-polar, with alanine, which is neutral and non-polar, at codon 75 of the RTTN protein (p.Pro75Ala). This variant is present in population databases (no rsID available, gnomAD 0.006%). This variant has not been reported in the literature in individuals affected with RTTN-related conditions. Algorithms developed to predict the effect of missense changes on protein structure and function (SIFT, PolyPhen-2, Align-GVGD) all suggest that this variant is likely to be tolerated. In summary, the available evidence is currently insufficient to determine the role of this variant in disease. Therefore, it has been classified as a Variant of Uncertain Significance.